The following is an entry in ClinVar:

ClinVar aggregate classification (germline): Benign (1 of 4 stars; one submission).

Conditions:
Leigh syndrome (NULS). Also called: Leigh's necrotizing encephalopathy; Leigh's disease; Leigh's syndrome; LEIGH SYNDROME, NUCLEAR; Leigh Syndrome (mtDNA deletion); Leigh Disease. Identifiers: Orphanet 506, MedGen C2931891, MONDO:0009723, OMIM 256000.

Submission:

Wong Mito Lab, Molecular and Human Genetics, Baylor College of Medicine
Classification: Benign for Leigh syndrome. Last evaluated: 2019-10-17. Review status: criteria provided, single submitter. Criteria: Modified ACMG Guidelines (Unpublished). Collection method: clinical testing. Allele origin: germline.
Comment: The NC_012920.1:m.15789C>T (YP_003024038.1:p.Thr348Ile) variant in MTCYB gene is interpretated to be a Benign variant based on the modified ACMG guidelines (unpublished). This variant meets the following evidence codes: BS1, BS2, BP4

Literature cited by the submitters: PubMed 19062322.

NC_012920.1(MT-CYB):m.15789C>T

Gene: MT-CYB (mitochondrially encoded cytochrome b; plus strand).
Variant type: single nucleotide variant.
Genome position: chrM-15789-C-T.
Identifiers: ClinVar variation 693953 (VCV000693953.1), dbSNP rs1556424663, ClinGen allele CA913174845.